The following is an entry in ClinVar:

NM_001277115.2(DNAH11):c.6029A>G (p.Lys2010Arg)

Gene: DNAH11 (dynein axonemal heavy chain 11; plus strand). Cytogenetic location: 7p15.3.
Variant type: single nucleotide variant.
Coding change: c.6029A>G on transcript NM_001277115.2 (MANE Select); coding-DNA position 6029, A replaced by G.
Protein change: p.Lys2010Arg; replaces lysine 2010 with arginine.
Molecular consequence: missense variant.
Genome position (GRCh38, 1-based): chr7:21,690,869, A>G. VCF-style: chr7-21690869-A-G. GRCh37 (hg19) VCF-style: chr7-21730487-A-G.
Other names: c.6029A>G (NM_001277115.1); short protein forms K2010R.
Identifiers: ClinVar variation 1380198 (VCV001380198.11), dbSNP rs183609678, ClinGen allele CA4180643.

ClinVar aggregate classification (germline): Conflicting classifications of pathogenicity. Review status: criteria provided, conflicting classifications (1 of 4 stars). 3 submissions from 3 submitters: Uncertain significance (2); Benign (1). Last evaluated 2025-06-13.

Conditions:
Primary ciliary dyskinesia. Also called: Ciliary dyskinesia. Identifiers: Orphanet 244, MedGen C0008780, MONDO:0016575, HP:0012265.

Allele frequency attached by ClinVar (database versions not stated): ExAC 0.00002; gnomAD exomes 0.00002; ESP Exome Variant Server 0.00008; gnomAD 0.00011; TOPMed 0.00012; 1000 Genomes Project 30x 0.00031; 1000 Genomes Project 0.00040.
gnomAD v4.1: 45 of 1,611,986 alleles (0.0028%); highest among the groups gnomAD compares: African/African-American, 0.044%; no homozygotes.

Submissions (3):

Labcorp Genetics (formerly Invitae), Labcorp
Classification: Benign for Primary ciliary dyskinesia. Last evaluated: 2025-06-13. Review status: criteria provided, single submitter. Criteria: Invitae Variant Classification Sherloc (09022015). Collection method: clinical testing. Allele origin: germline.

Ambry Genetics
Classification: Uncertain significance for Primary ciliary dyskinesia. Last evaluated: 2024-10-14. Review status: criteria provided, single submitter. Criteria: Ambry Variant Classification Scheme 2023. Collection method: clinical testing. Allele origin: germline.
Comment: The p.K2010R variant (also known as c.6029A>G), located in coding exon 35 of the DNAH11 gene, results from an A to G substitution at nucleotide position 6029. The lysine at codon 2010 is replaced by arginine, an amino acid with highly similar properties. This amino acid position is conserved. In addition, this alteration is predicted to be tolerated by in silico analysis. Based on the available evidence, the clinical significance of this variant remains unclear.

GeneDx
Classification: Uncertain significance. Last evaluated: 2024-06-08. Review status: criteria provided, single submitter. Criteria: GeneDx Variant Classification Process June 2021. Collection method: clinical testing. Allele origin: germline. Affected: yes.
Comment: In silico analysis supports that this missense variant has a deleterious effect on protein structure/function; Has not been previously published as pathogenic or benign to our knowledge